The following is an entry in ClinVar:

NM_000083.3(CLCN1):c.392T>G (p.Val131Gly)

Gene: CLCN1 (chloride voltage-gated channel 1; plus strand). Cytogenetic location: 7q34.
Variant type: single nucleotide variant.
Coding change: c.392T>G on transcript NM_000083.3 (MANE Select); coding-DNA position 392, T replaced by G.
Protein change: p.Val131Gly; replaces valine 131 with glycine.
Molecular consequence: missense variant. On other transcripts: non-coding transcript variant (1).
Genome position (GRCh38, 1-based): chr7:143,320,754, T>G. VCF-style: chr7-143320754-T-G. GRCh37 (hg19) VCF-style: chr7-143017847-T-G.
Other names: short protein forms V131G.
Identifiers: ClinVar variation 1518857 (VCV001518857.6), dbSNP rs769391461, ClinGen allele CA369682533.

ClinVar aggregate classification (germline): Uncertain significance (1 of 4 stars; one submission).

Conditions:
Congenital myotonia, autosomal dominant form (THD). Also called: THOMSEN DISEASE; Myotonia congenita autosomal dominant. Identifiers: Orphanet 614, MedGen C2936781, MONDO:0008055, OMIM 160800.
Congenital myotonia, autosomal recessive form. Also called: myotonia congenita, autosomal recessive; BECKER DISEASE; Becker Generalized Myotonia. Identifiers: Orphanet 614, MedGen C0751360, MONDO:0009715, OMIM 255700.

Submission:

Labcorp Genetics (formerly Invitae), Labcorp
Classification: Uncertain significance for Congenital myotonia, autosomal recessive form; Congenital myotonia, autosomal dominant form. Last evaluated: 2022-06-28. Review status: criteria provided, single submitter. Criteria: Invitae Variant Classification Sherloc (09022015). Collection method: clinical testing. Allele origin: germline.
Comment: Advanced modeling of protein sequence and biophysical properties (such as structural, functional, and spatial information, amino acid conservation, physicochemical variation, residue mobility, and thermodynamic stability) performed at Invitae indicates that this missense variant is expected to disrupt CLCN1 protein function. This variant has not been reported in the literature in individuals affected with CLCN1-related conditions. This variant is not present in population databases (gnomAD no frequency). This sequence change replaces valine, which is neutral and non-polar, with glycine, which is neutral and non-polar, at codon 131 of the CLCN1 protein (p.Val131Gly). In summary, the available evidence is currently insufficient to determine the role of this variant in disease. Therefore, it has been classified as a Variant of Uncertain Significance.